The following is an entry in ClinVar:

ClinVar aggregate classification (germline): Conflicting classifications of pathogenicity. Review status: criteria provided, conflicting classifications (1 of 4 stars). 5 submissions from 5 submitters: Uncertain significance (2); Likely benign (2). 1 of the submissions does not count toward it. Last evaluated 2026-01-24.

Conditions:
Imerslund-Grasbeck syndrome type 1 (IGS1). Also called: MEGALOBLASTIC ANEMIA, 1; Megaloblastic anemia 1, Finnish type; Imerslund-Gräsbeck syndrome 1. Identifiers: MedGen C4016819, MONDO:0100156, OMIM 261100.
Proteinuria, chronic benign. Identifiers: MedGen C5394384, MONDO:0030042, OMIM 618884.
CUBN-related disorder. Also called: CUBN-related condition.
Imerslund-Grasbeck syndrome. Also called: ENTEROCYTE COBALAMIN MALABSORPTION; ENTEROCYTE INTRINSIC FACTOR RECEPTOR, DEFECT OF; Megaloblastic anemia due to inborn errors of metabolism; PERNICIOUS ANEMIA, JUVENILE, DUE TO SELECTIVE INTESTINAL MALABSORPTION OF VITAMIN B12, WITH PROTEINURIA; Imerslund-Gräsbeck syndrome. Identifiers: Orphanet 35858, MedGen C4551825, MONDO:0009853.

Allele frequency attached by ClinVar (database versions not stated): gnomAD exomes 0.00009 and 0.00024; ExAC 0.00032; gnomAD 0.00098 and 0.00104; TOPMed 0.00109; ESP Exome Variant Server 0.00123; 1000 Genomes Project 30x 0.00187; 1000 Genomes Project 0.00200.
gnomAD v4.1: 302 of 1,614,118 alleles (0.019%); highest among the groups gnomAD compares: African/African-American, 0.36%; no homozygotes.

Submissions (5):

Labcorp Genetics (formerly Invitae), Labcorp
Classification: Likely benign for Imerslund-Grasbeck syndrome. Last evaluated: 2026-01-24. Review status: criteria provided, single submitter. Criteria: Invitae Variant Classification Sherloc (09022015). Collection method: clinical testing. Allele origin: germline.

Blueprint Genetics
Classification: Uncertain significance. Last evaluated: 2024-08-15. Review status: criteria provided, single submitter. Criteria: ACMG Guidelines, 2015. Collection method: clinical testing. Allele origin: germline.

New York Genome Center
Classification: Uncertain significance for Proteinuria, chronic benign; Imerslund-Grasbeck syndrome type 1. Last evaluated: 2021-10-01. Review status: criteria provided, single submitter. Criteria: NYGC Assertion Criteria 2020. Collection method: clinical testing. Allele origin: germline. Observed: 1 variant allele. Study: CSER-NYCKidSeq.
Comment: The heterozygous missense variant c.10002G>C (p.Gln3334His) identified in exon 62 (of 67) of the CUBN gene has not been reported in affected individuals in the literature. The variant has 0.0009663 allele frequency in the gnomAD(v3) database (147 out of 152124 heterozygous alleles, no homozygotes) suggesting it is not a common benign variant in the populations represented in that database. This variant is reported as likely benign in the ClinVar database by a single submitter (Variation ID: 695383). This variant affects a moderately conserved residue (Gln3334). In silico tools provide conflicting predictions about pathogenicity of this variant (CADD score = 22.40, REVEL score = 0.188). Due to the lack of compelling evidence for its pathogenicity, the heterozygous c.10002G>C(p.Gln3334His) missense variant identified in the CUBN gene is reported as a Variant of Uncertain Significance.

Breakthrough Genomics
Classification: Likely benign. Review status: criteria provided, single submitter. Criteria: ACMG Guidelines, 2015. Collection method: not provided. Allele origin: germline. Inheritance: Autosomal recessive inheritance. Affected: yes.

PreventionGenetics, part of Exact Sciences
Classification: Likely benign for CUBN-related condition. Last evaluated: 2023-06-09. Review status: no assertion criteria provided. Collection method: clinical testing. Allele origin: germline. Not counted in ClinVar's aggregate classification.
Comment: This variant is classified as likely benign based on ACMG/AMP sequence variant interpretation guidelines (Richards et al. 2015 PMID: 25741868, with internal and published modifications).

NM_001081.4(CUBN):c.10002G>C (p.Gln3334His)

Gene: CUBN (cubilin; minus strand). Cytogenetic location: 10p13.
Variant type: single nucleotide variant.
Coding change: c.10002G>C on transcript NM_001081.4 (MANE Select); coding-DNA position 10002, G replaced by C.
Protein change: p.Gln3334His; replaces glutamine 3334 with histidine.
Molecular consequence: missense variant.
Genome position (GRCh38, 1-based): chr10:16,840,360, C>G on the plus strand (G>C on the coding strand, the complement: CUBN is on the minus strand). VCF-style: chr10-16840360-C-G. GRCh37 (hg19) VCF-style: chr10-16882359-C-G.
Other names: short protein forms Q3334H.
Identifiers: ClinVar variation 695383 (VCV000695383.14), dbSNP rs147330179, ClinGen allele CA5422527.